The following is an entry in ClinVar:

ClinVar aggregate classification (germline): Conflicting classifications of pathogenicity. Review status: criteria provided, conflicting classifications (1 of 4 stars). 5 submissions from 5 submitters: Pathogenic (2); Likely pathogenic (2); Uncertain significance (1). Last evaluated 2025-10-29.

Conditions:
GNPTG-related disorder. Also called: GNPTG-related condition.
GNPTG-mucolipidosis. Also called: Mucolipidosis type III gamma; MUCOLIPIDOSIS III, COMPLEMENTATION GROUP C; MUCOLIPIDOSIS III, IRANIAN VARIANT FORM; MUCOLIPIDOSIS III, VARIANT FORM; ML III GAMMA; ML IIIC. Identifiers: Orphanet 423470, Orphanet 577, MedGen C1854896, MONDO:0009652, OMIM 252605.

Allele frequency attached by ClinVar (database versions not stated): ExAC 0.00002; gnomAD exomes 0.00002 and 0.00007; TOPMed 0.00006; gnomAD 0.00008; ESP Exome Variant Server 0.00024.

Submissions (5):

Labcorp Genetics (formerly Invitae), Labcorp
Classification: Pathogenic. Last evaluated: 2025-10-29. Review status: criteria provided, single submitter. Criteria: Invitae Variant Classification Sherloc (09022015). Collection method: clinical testing. Allele origin: germline.
Comment: This variant, c.238_243del, results in the deletion of 2 amino acid(s) of the GNPTG protein (p.Lys80_Tyr81del), but otherwise preserves the integrity of the reading frame. The frequency data for this variant in the population databases is considered unreliable, as metrics indicate poor data quality at this position in the gnomAD database. This variant has been observed in individual(s) with mucolipidosis III gamma (PMID: 21792934). It has also been observed to segregate with disease in related individuals. ClinVar contains an entry for this variant (Variation ID: 550212). For these reasons, this variant has been classified as Pathogenic.

Blueprint Genetics
Classification: Pathogenic for GNPTG-related disorders. Last evaluated: 2024-09-04. Review status: criteria provided, single submitter. Criteria: ACMG Guidelines, 2015. Collection method: clinical testing. Allele origin: germline. Affected: yes. Observed: 5 variant alleles.

Fulgent Genetics
Classification: Likely pathogenic for GNPTG-mucolipidosis. Last evaluated: 2024-04-15. Review status: criteria provided, single submitter. Criteria: ACMG Guidelines, 2015. Collection method: clinical testing. Allele origin: germline.

Myriad Genetics, Inc.
Classification: Uncertain significance for GNPTG-mucolipidosis. Last evaluated: 2021-11-10. Review status: criteria provided, single submitter. Criteria: Myriad Women's Health Autosomal Recessive and X-Linked Classification Criteria (2021). Collection method: clinical testing. Allele origin: unknown.
Comment: NM_032520.4(GNPTG):c.238_243del6(K80_Y81del) is an in-frame deletion classified as a variant of uncertain significance in the context of mucolipidosis III gamma. K80_Y81del has been observed in cases with relevant disease (PMID: 21792934). Functional assessments of this variant are not available in the literature. K80_Y81del has been observed in population frequency databases (gnomAD: EAS 0.01%). In summary, there is insufficient evidence to classify NM_032520.4(GNPTG):c.238_243del6(K80_Y81del) as pathogenic or benign. Please note: this variant was assessed in the context of healthy population screening.

Genome-Nilou Lab
Classification: Likely pathogenic for GNPTG-mucolipidosis. Last evaluated: 2021-11-07. Review status: criteria provided, single submitter. Criteria: ACMG Guidelines, 2015. Collection method: clinical testing. Allele origin: germline. Affected: no.

Literature cited by the submitters: PubMed 21792934 (cited by Labcorp Genetics (formerly Invitae), Labcorp and Myriad Genetics, Inc.).

NM_032520.5(GNPTG):c.238_243del (p.Lys80_Tyr81del)

Gene: GNPTG (N-acetylglucosamine-1-phosphate transferase subunit gamma; plus strand). Cytogenetic location: 16p13.3.
Variant type: Deletion.
Coding change: c.238_243del on transcript NM_032520.5 (MANE Select); coding-DNA positions 238 to 243, 6 bases deleted (AAGTAT; older notation c.238_243delAAGTAT).
Protein change: p.Lys80_Tyr81del.
Molecular consequence: inframe deletion.
Genome position (GRCh38, 1-based): chr16:1,361,876-1,361,881, AAGTAT deleted. VCF-style (leftmost placement, unchanged base first): chr16-1361875-CAAGTAT-C. GRCh37 (hg19) VCF-style: chr16-1411876-CAAGTAT-C.
Other names: c.238_243del (NM_032520.4).
Identifiers: ClinVar variation 550212 (VCV000550212.17), dbSNP rs773452586, ClinGen allele CA7807562.